The following is an entry in ClinVar:

ClinVar aggregate classification (germline): Likely pathogenic (1 of 4 stars; one submission).

Conditions:
Primary dilated cardiomyopathy (DCM). Also called: Dilated Cardiomyopathy. Identifiers: Orphanet 217604, MedGen C0007193, MeSH D002311, MONDO:0005021, HP:0001644. Inheritance: Various modes of inheritance.

Submission:

Lildballe Lab, Aarhus University Hospital
Classification: Likely pathogenic for dilated cardiomyopathy. Last evaluated: 2024-03-01. Review status: criteria provided, single submitter. Criteria: ACMG Guidelines, 2015. Collection method: research. Allele origin: germline. Affected: yes.
Comment: PVS1(vs), PM2(sup)

Literature cited by the submitters: PubMed 25741953; PubMed 39481677.

NM_001267550.2(TTN):c.96598_96599del (p.Ser32200fs)

Genes: TTN (titin; minus strand), TTN-AS1 (TTN antisense RNA 1; plus strand), LOC126806421 (CDK7 strongly-dependent group 2 enhancer GRCh37_chr2:179407630-179408829; plus strand). Cytogenetic location: 2q31.2.
Variant type: Microsatellite.
Coding change: c.96598_96599del on transcript NM_001267550.2 (MANE Select); coding-DNA positions 96598 to 96599, 2 bases deleted (TC; older notation c.96598_96599delTC).
Protein change: p.Ser32200fs; shifts the reading frame from serine 32200.
Molecular consequence: frameshift variant.
Genome position (GRCh38, 1-based): chr2:178,543,374-178,543,375, GA deleted on the plus strand (TC on the coding strand, the reverse complement: TTN is on the minus strand); deleting any 2 consecutive bases within chr2:178,543,374-178,543,377 gives the same sequence; the c. name uses the placement nearest the transcript's 3' end. VCF-style (leftmost placement, unchanged base first): chr2-178543373-TGA-T. GRCh37 (hg19) VCF-style: chr2-179408100-TGA-T.
Other names: c.91675_91676del, p.Ser30559fs (NM_001256850.1); c.69403_69404del, p.Ser23135fs (NM_003319.4); c.88894_88895del, p.Ser29632fs (NM_133378.4); c.69778_69779del, p.Ser23260fs (NM_133432.3); c.69979_69980del, p.Ser23327fs (NM_133437.4); short protein forms S23135fs, S23260fs, S23327fs, S29632fs, S30559fs, S32200fs.
Identifiers: ClinVar variation 3338364 (VCV003338364.1).